The following is an entry in ClinVar:

ClinVar aggregate classification (germline): Benign. Review status: criteria provided, multiple submitters, no conflicts (2 of 4 stars). 3 submissions from 3 submitters: Benign (2). 1 of the submissions does not count toward it. Last evaluated 2021-05-04.

Conditions:
CABIN1-related disorder. Also called: CABIN1-related condition.

Allele frequency attached by ClinVar (database versions not stated): gnomAD exomes 0.00421 and 0.00973; ExAC 0.01176; gnomAD 0.02709 and 0.02803; ESP Exome Variant Server 0.03145; 1000 Genomes Project 0.03814; 1000 Genomes Project 30x 0.04013.
gnomAD v4.1: 10,456 of 1,614,214 alleles (0.65%); highest among the groups gnomAD compares: African/African-American, 8.9%; 343 homozygotes.

Submissions (3):

GeneDx
Classification: Benign. Last evaluated: 2021-05-04. Review status: criteria provided, single submitter. Criteria: GeneDx Variant Classification Process June 2021. Collection method: clinical testing. Allele origin: germline. Affected: yes.

Breakthrough Genomics
Classification: Benign. Review status: criteria provided, single submitter. Criteria: ACMG Guidelines, 2015. Collection method: not provided. Allele origin: germline. Inheritance: Unknown mechanism. Affected: yes.

PreventionGenetics, part of Exact Sciences
Classification: Benign for CABIN1-related condition. Last evaluated: 2019-02-25. Review status: no assertion criteria provided. Collection method: clinical testing. Allele origin: germline. Not counted in ClinVar's aggregate classification.
Comment: This variant is classified as benign based on ACMG/AMP sequence variant interpretation guidelines (Richards et al. 2015 PMID: 25741868, with internal and published modifications).

NM_012295.4(CABIN1):c.2223T>G (p.Leu741=)

Gene: CABIN1 (calcineurin binding protein 1; plus strand). Cytogenetic location: 22q11.23.
Variant type: single nucleotide variant.
Coding change: c.2223T>G on transcript NM_012295.4 (MANE Select); coding-DNA position 2223, T replaced by G.
Protein change: p.Leu741=; no amino-acid change (leucine 741 retained).
Molecular consequence: synonymous variant.
Genome position (GRCh38, 1-based): chr22:24,067,172, T>G. VCF-style: chr22-24067172-T-G. GRCh37 (hg19) VCF-style: chr22-24463123-T-G.
Other names: c.2223T>G, p.Leu741= (NM_001199281.1); c.2073T>G, p.Leu691= (NM_001201429.2).
Identifiers: ClinVar variation 1226945 (VCV001226945.6), dbSNP rs62642523, ClinGen allele CA10148822.